The following is an entry in ClinVar:

NM_000018.4(ACADVL):c.965T>C (p.Val322Ala)

Gene: ACADVL (acyl-CoA dehydrogenase very long chain; plus strand). Cytogenetic location: 17p13.1.
Variant type: single nucleotide variant.
Coding change: c.965T>C on transcript NM_000018.4 (MANE Select); coding-DNA position 965, T replaced by C.
Protein change: p.Val322Ala; replaces valine 322 with alanine.
Molecular consequence: missense variant.
Genome position (GRCh38, 1-based): chr17:7,222,753, T>C. VCF-style: chr17-7222753-T-C. GRCh37 (hg19) VCF-style: chr17-7126072-T-C.
Other names: c.899T>C, p.Val300Ala (NM_001033859.3); c.1034T>C, p.Val345Ala (NM_001270447.2); c.737T>C, p.Val246Ala (NM_001270448.2); short protein forms V345A, V246A, V300A, V322A.
Identifiers: ClinVar variation 3004166 (VCV003004166.3), dbSNP rs2508317139, ClinGen allele CA397724063.

ClinVar aggregate classification (germline): Pathogenic (1 of 4 stars; one submission).

Conditions:
Very long chain acyl-CoA dehydrogenase deficiency (ACADVLD). Also called: Very Long-Chain Acyl-Coenzyme A Dehydrogenase Deficiency; VLCAD Deficiency. Identifiers: Orphanet 26793, MedGen C3887523, MONDO:0008723, OMIM 201475.

Submission:

Labcorp Genetics (formerly Invitae), Labcorp
Classification: Pathogenic for Very long chain acyl-CoA dehydrogenase deficiency. Last evaluated: 2023-03-26. Review status: criteria provided, single submitter. Criteria: Invitae Variant Classification Sherloc (09022015). Collection method: clinical testing. Allele origin: germline.
Comment: For these reasons, this variant has been classified as Pathogenic. Advanced modeling of protein sequence and biophysical properties (such as structural, functional, and spatial information, amino acid conservation, physicochemical variation, residue mobility, and thermodynamic stability) performed at Invitae indicates that this missense variant is expected to disrupt ACADVL protein function. This missense change has been observed in individual(s) with clinical features of very long-chain acyl-CoA dehydrogenase deficiency (Invitae). In at least one individual the data is consistent with being in trans (on the opposite chromosome) from a pathogenic variant. This variant is not present in population databases (gnomAD no frequency). This sequence change replaces valine, which is neutral and non-polar, with alanine, which is neutral and non-polar, at codon 322 of the ACADVL protein (p.Val322Ala).